The following is an entry in ClinVar:

NM_006767.4(LZTR1):c.2131G>C (p.Gly711Arg)

Gene: LZTR1 (leucine zipper like post translational regulator 1; plus strand). Cytogenetic location: 22q11.21.
Variant type: single nucleotide variant.
Coding change: c.2131G>C on transcript NM_006767.4 (MANE Select); coding-DNA position 2131, G replaced by C.
Protein change: p.Gly711Arg; replaces glycine 711 with arginine.
Molecular consequence: missense variant.
Genome position (GRCh38, 1-based): chr22:20,996,024, G>C. VCF-style: chr22-20996024-G-C. GRCh37 (hg19) VCF-style: chr22-21350313-G-C.
Other names: short protein forms G711R.
Identifiers: ClinVar variation 1786417 (VCV001786417.3), dbSNP rs777021795, ClinGen allele CA410779494.

ClinVar aggregate classification (germline): Uncertain significance. Review status: criteria provided, multiple submitters, no conflicts (2 of 4 stars). 2 submissions from 2 submitters: Uncertain significance (2). Last evaluated 2025-04-17.

Conditions:
Hereditary cancer-predisposing syndrome. Also called: Neoplastic Syndromes, Hereditary; Tumor predisposition; Hereditary Cancer Syndrome; Hereditary neoplastic syndrome. Identifiers: Orphanet 140162, MedGen C0027672, MeSH D009386, MONDO:0015356.
Cardiovascular phenotype. Identifiers: MedGen CN230736.

gnomAD v4.1: 10 of 1,613,510 alleles (0.00062%); highest among the groups gnomAD compares: Non-Finnish European, 0.00076%; no homozygotes.

Submissions (2):

Labcorp Genetics (formerly Invitae), Labcorp
Classification: Uncertain significance. Last evaluated: 2025-04-17. Review status: criteria provided, single submitter. Criteria: Invitae Variant Classification Sherloc (09022015). Collection method: clinical testing. Allele origin: germline.
Comment: This sequence change replaces glycine, which is neutral and non-polar, with arginine, which is basic and polar, at codon 711 of the LZTR1 protein (p.Gly711Arg). This variant is present in population databases (no rsID available, gnomAD 0.0009%). This variant has not been reported in the literature in individuals affected with LZTR1-related conditions. ClinVar contains an entry for this variant (Variation ID: 1786417). Invitae Evidence Modeling of protein sequence and biophysical properties (such as structural, functional, and spatial information, amino acid conservation, physicochemical variation, residue mobility, and thermodynamic stability) indicates that this missense variant is not expected to disrupt LZTR1 protein function with a negative predictive value of 80%. In summary, the available evidence is currently insufficient to determine the role of this variant in disease. Therefore, it has been classified as a Variant of Uncertain Significance.

Ambry Genetics
Classification: Uncertain significance for Cardiovascular phenotype; Hereditary cancer-predisposing syndrome. Last evaluated: 2021-08-27. Review status: criteria provided, single submitter. Criteria: Ambry Variant Classification Scheme 2023. Collection method: clinical testing. Allele origin: germline.
Comment: The p.G711R variant (also known as c.2131G>C), located in coding exon 18 of the LZTR1 gene, results from a G to C substitution at nucleotide position 2131. The glycine at codon 711 is replaced by arginine, an amino acid with dissimilar properties. This amino acid position is highly conserved in available vertebrate species. In addition, this alteration is predicted to be deleterious by in silico analysis. Since supporting evidence is limited at this time, the clinical significance of this alteration remains unclear.